The following is an entry in ClinVar:

NM_001458.5(FLNC):c.4926A>G (p.Thr1642=)

Gene: FLNC (filamin C; plus strand). Cytogenetic location: 7q32.1.
Variant type: single nucleotide variant.
Coding change: c.4926A>G on transcript NM_001458.5 (MANE Select); coding-DNA position 4926, A replaced by G.
Protein change: p.Thr1642=; no amino-acid change (threonine 1642 retained).
Molecular consequence: synonymous variant.
Genome position (GRCh38, 1-based): chr7:128,848,981, A>G. VCF-style: chr7-128848981-A-G. GRCh37 (hg19) VCF-style: chr7-128489035-A-G.
Other names: c.4926A>G, p.Thr1642= (NM_001127487.2).
Identifiers: ClinVar variation 943394 (VCV000943394.10), dbSNP rs1808689032, ClinGen allele CA457848870.

ClinVar aggregate classification (germline): Uncertain significance (1 of 4 stars; one submission).

Conditions:
Myofibrillar myopathy 5. Also called: Filaminopathy (type); FILAMINOPATHY, AUTOSOMAL DOMINANT. Identifiers: Orphanet 171445, MedGen C1836050, MONDO:0012289, OMIM 609524.
Distal myopathy with posterior leg and anterior hand involvement. Also called: WILLIAMS DISTAL MYOPATHY. Identifiers: Orphanet 63273, MedGen C3279722, MONDO:0013550, OMIM 614065.
Hypertrophic cardiomyopathy 26. Also called: Cardiomyopathy, familial hypertrophic, 26. Identifiers: Orphanet 75249, MedGen C4310749, MONDO:0014883, OMIM 617047.

Submission:

Labcorp Genetics (formerly Invitae), Labcorp
Classification: Uncertain significance for Distal myopathy with posterior leg and anterior hand involvement; Myofibrillar myopathy 5; Hypertrophic cardiomyopathy 26. Last evaluated: 2022-08-16. Review status: criteria provided, single submitter. Criteria: Invitae Variant Classification Sherloc (09022015). Collection method: clinical testing. Allele origin: germline.
Comment: In summary, the available evidence is currently insufficient to determine the role of this variant in disease. Therefore, it has been classified as a Variant of Uncertain Significance. Algorithms developed to predict the effect of sequence changes on RNA splicing suggest that this variant may create or strengthen a splice site. ClinVar contains an entry for this variant (Variation ID: 943394). This variant has not been reported in the literature in individuals affected with FLNC-related conditions. This variant is not present in population databases (gnomAD no frequency). This sequence change affects codon 1642 of the FLNC mRNA. It is a 'silent' change, meaning that it does not change the encoded amino acid sequence of the FLNC protein.